The following is an entry in ClinVar:

NM_003119.4(SPG7):c.182A>G (p.Gln61Arg)

Genes: SPG7 (SPG7 matrix AAA peptidase subunit, paraplegin; plus strand), LOC130059818 (ATAC-STARR-seq lymphoblastoid silent region 7911; plus strand). Cytogenetic location: 16q24.3.
Variant type: single nucleotide variant.
Coding change: c.182A>G on transcript NM_003119.4 (MANE Select); coding-DNA position 182, A replaced by G.
Protein change: p.Gln61Arg; replaces glutamine 61 with arginine.
Molecular consequence: missense variant.
Genome position (GRCh38, 1-based): chr16:89,508,599, A>G. VCF-style: chr16-89508599-A-G. GRCh37 (hg19) VCF-style: chr16-89575007-A-G.
Other names: c.182A>G, p.Gln61Arg (NM_001363850.1, NM_199367.3); c.182A>G (NM_003119.2); short protein forms Q61R.
Identifiers: ClinVar variation 870872 (VCV000870872.51), dbSNP rs1306012072, ClinGen allele CA397416148.

ClinVar aggregate classification (germline): Uncertain significance. Review status: criteria provided, multiple submitters, no conflicts (2 of 4 stars). 4 submissions from 4 submitters: Uncertain significance (4). Last evaluated 2025-08-05.

Conditions:
Hereditary spastic paraplegia 7 (SPG7). Also called: Spastic paraplegia 7; Hereditary spastic paraplegia Paraplegin type; Autosomal recessive spastic paraplegia type 7; SPASTIC PARAPLEGIA 7, AUTOSOMAL RECESSIVE, WITH OR WITHOUT CEREBELLAR ATAXIA; SPG7-related neurologic disorder. Identifiers: Orphanet 99013, MedGen C1846564, MONDO:0011803, OMIM 607259.
Inborn genetic diseases. Identifiers: MedGen C0950123, MeSH D030342.

Allele frequency attached by ClinVar (database versions not stated): TOPMed 0.00001; gnomAD 0.00003.
gnomAD v4.1: 17 of 1,465,594 alleles (0.0012%); highest among the groups gnomAD compares: Non-Finnish European, 0.0014%; no homozygotes.

Submissions (4):

Ambry Genetics
Classification: Uncertain significance for Inborn genetic diseases. Last evaluated: 2025-08-05. Review status: criteria provided, single submitter. Criteria: Ambry Variant Classification Scheme 2023. Collection method: clinical testing. Allele origin: germline.

Labcorp Genetics (formerly Invitae), Labcorp
Classification: Uncertain significance for Hereditary spastic paraplegia 7. Last evaluated: 2024-05-12. Review status: criteria provided, single submitter. Criteria: Invitae Variant Classification Sherloc (09022015). Collection method: clinical testing. Allele origin: germline.
Comment: This sequence change replaces glutamine, which is neutral and polar, with arginine, which is basic and polar, at codon 61 of the SPG7 protein (p.Gln61Arg). This variant is present in population databases (no rsID available, gnomAD 0.002%). This variant has not been reported in the literature in individuals affected with SPG7-related conditions. ClinVar contains an entry for this variant (Variation ID: 870872). An algorithm developed to predict the effect of missense changes on protein structure and function (PolyPhen-2) suggests that this variant is likely to be tolerated. Algorithms developed to predict the effect of sequence changes on RNA splicing suggest that this variant may disrupt the consensus splice site. In summary, the available evidence is currently insufficient to determine the role of this variant in disease. Therefore, it has been classified as a Variant of Uncertain Significance.

CeGaT Center for Human Genetics Tuebingen
Classification: Uncertain significance. Last evaluated: 2019-07-01. Review status: criteria provided, single submitter. Criteria: CeGaT Center For Human Genetics Tuebingen Variant Classification Criteria Version 2. Collection method: clinical testing. Allele origin: germline. Affected: yes. Observed: 1 variant allele.

Centre for Mendelian Genomics, University Medical Centre Ljubljana
Classification: Uncertain significance for Hereditary spastic paraplegia 7. Last evaluated: 2018-11-30. Review status: criteria provided, single submitter. Criteria: ACMG Guidelines, 2015. Collection method: clinical testing. Allele origin: unknown. Affected: yes.
Comment: This variant was classified as: Uncertain significance. The available evidence on this variant's pathogenicity is insufficient or conflicting. The following ACMG criteria were applied in classifying this variant: PM2,PP3.